The following is an entry in ClinVar:

ClinVar aggregate classification (germline): Uncertain significance (1 of 4 stars; one submission).

Conditions:
Hypertrophic cardiomyopathy 2. Also called: TNNT2-Related Familial Hypertrophic Cardiomyopathy. Identifiers: MedGen C1861864, MONDO:0007266, OMIM 115195.
Cardiomyopathy, familial restrictive, 3. Identifiers: Orphanet 75249, MedGen C2676271, MONDO:0012900, OMIM 612422.
Dilated cardiomyopathy 1D. Identifiers: Orphanet 154, Orphanet 54260, MedGen C1832243, MONDO:0011095, OMIM 601494.

Submission:

Labcorp Genetics (formerly Invitae), Labcorp
Classification: Uncertain significance for Cardiomyopathy, familial restrictive, 3; Hypertrophic cardiomyopathy 2; Dilated cardiomyopathy 1D. Last evaluated: 2023-10-17. Review status: criteria provided, single submitter. Criteria: Invitae Variant Classification Sherloc (09022015). Collection method: clinical testing. Allele origin: germline.
Comment: This sequence change replaces glutamine, which is neutral and polar, with proline, which is neutral and non-polar, at codon 149 of the TNNT2 protein (p.Gln149Pro). This variant is not present in population databases (gnomAD no frequency). This variant has not been reported in the literature in individuals affected with TNNT2-related conditions. ClinVar contains an entry for this variant (Variation ID: 2087841). Advanced modeling of protein sequence and biophysical properties (such as structural, functional, and spatial information, amino acid conservation, physicochemical variation, residue mobility, and thermodynamic stability) performed at Invitae indicates that this missense variant is expected to disrupt TNNT2 protein function. In summary, the available evidence is currently insufficient to determine the role of this variant in disease. Therefore, it has been classified as a Variant of Uncertain Significance.

NM_001276345.2(TNNT2):c.476A>C (p.Gln159Pro)

Gene: TNNT2 (troponin T2, cardiac type; minus strand). Cytogenetic location: 1q32.1.
Variant type: single nucleotide variant.
Coding change: c.476A>C on transcript NM_001276345.2 (MANE Select); coding-DNA position 476, A replaced by C.
Protein change: p.Gln159Pro; replaces glutamine 159 with proline.
Molecular consequence: missense variant.
Genome position (GRCh38, 1-based): chr1:201,364,311, T>G on the plus strand (A>C on the coding strand, the complement: TNNT2 is on the minus strand). VCF-style: chr1-201364311-T-G. GRCh37 (hg19) VCF-style: chr1-201333439-T-G.
Other names: c.476A>C, p.Gln159Pro (NM_000364.4, NM_001406723.1); c.446A>C, p.Gln149Pro (NM_001001430.3, NM_001001431.3, NM_001276347.2 and 3 more transcripts); c.431A>C, p.Gln144Pro (NM_001001432.3, NM_001406728.1); c.356A>C, p.Gln119Pro (NM_001276346.2); c.443A>C, p.Gln148Pro (NM_001406725.1); short protein forms Q119P, Q149P, Q159P, Q144P, Q148P.
Identifiers: ClinVar variation 2087841 (VCV002087841.4), dbSNP rs1659255484, ClinGen allele CA344205616.